The following is an entry in ClinVar:

NM_000806.5(GABRA1):c.-446G>C

Gene: GABRA1 (gamma-aminobutyric acid type A receptor subunit alpha1; plus strand). Cytogenetic location: 5q34.
Variant type: single nucleotide variant.
Coding change: c.-446G>C on transcript NM_000806.5; 446 bases upstream of the start codon, G replaced by C.
Molecular consequence: 5 prime UTR variant.
Genome position (GRCh38, 1-based): chr5:161,847,213, G>C. VCF-style: chr5-161847213-G-C. GRCh37 (hg19) VCF-style: chr5-161274219-G-C.
Identifiers: ClinVar variation 907503 (VCV000907503.6), dbSNP rs28364635, ClinGen allele CA131081585.

ClinVar aggregate classification (germline): Likely benign (1 of 4 stars; one submission).

Conditions:
Epilepsy, idiopathic generalized, susceptibility to, 13. Also called: EPILEPSY, JUVENILE MYOCLONIC, SUSCEPTIBILITY TO, 5. Identifiers: Orphanet 307, Orphanet 64280, MedGen C4013473, MONDO:0012627, OMIM 611136.

Allele frequency attached by ClinVar (database versions not stated): TOPMed 0.00252; gnomAD 0.00285 and 0.00203; 1000 Genomes Project 30x 0.01280; 1000 Genomes Project 0.01298.

Submission:

Illumina Laboratory Services, Illumina
Classification: Likely benign for Epilepsy, idiopathic generalized, susceptibility to, 13. Last evaluated: 2018-01-12. Review status: criteria provided, single submitter. Criteria: ICSL Variant Classification Criteria 13 December 2019. Collection method: clinical testing. Allele origin: germline.
Comment: This variant was observed in the ICSL laboratory as part of a predisposition screen in an ostensibly healthy population. It had not been previously curated by ICSL or reported in the Human Gene Mutation Database (HGMD: prior to June 1st, 2018), and was therefore a candidate for classification through an automated scoring system. Utilizing variant allele frequency, disease prevalence and penetrance estimates, and inheritance mode, an automated score was calculated to assess if this variant is too frequent to cause the disease. Based on the score and internal cut-off values, a variant classified as likely benign is not then subjected to further curation. The score for this variant resulted in a classification of likely benign for this disease.